The following is an entry in ClinVar:

NM_007294.4(BRCA1):c.5378A>G (p.Lys1793Arg)

Gene: BRCA1 (BRCA1 DNA repair associated; minus strand). Cytogenetic location: 17q21.31.
Variant type: single nucleotide variant.
Coding change: c.5378A>G on transcript NM_007294.4 (MANE Select); coding-DNA position 5378, A replaced by G.
Protein change: p.Lys1793Arg; replaces lysine 1793 with arginine.
Molecular consequence: missense variant. On other transcripts: non-coding transcript variant (1), intron variant (1).
Genome position (GRCh38, 1-based): chr17:43,049,149, T>C on the plus strand (A>G on the coding strand, the complement: BRCA1 is on the minus strand). VCF-style: chr17-43049149-T-C. GRCh37 (hg19) VCF-style: chr17-41201166-T-C.
Other names: c.5165A>G, p.Lys1722Arg (NM_001407571.1, NM_001407895.1, NM_001407896.1 and 12 more transcripts); c.5444A>G, p.Lys1815Arg (NM_001407581.1, NM_001407582.1); c.5441A>G, p.Lys1814Arg (NM_001407583.1, NM_001407585.1, NM_001407587.1 and 1 more transcripts); c.5438A>G, p.Lys1813Arg (NM_001407590.1, NM_001407591.1); c.5378A>G, p.Lys1793Arg (NM_001407593.1, NM_001407594.1, NM_001407596.1 and 5 more transcripts); c.5375A>G, p.Lys1792Arg (NM_001407618.1, NM_001407619.1, NM_001407620.1 and 14 more transcripts); c.5372A>G, p.Lys1791Arg (NM_001407637.1, NM_001407638.1, NM_001407639.1 and 13 more transcripts); c.5369A>G, p.Lys1790Arg (NM_001407644.1, NM_001407645.1); and 73 more; short protein forms K1746R, K1793R, K689R, K1814R, K1680R, K1750R, K1752R, K1766R.
Identifiers: ClinVar variation 865396 (VCV000865396.8), dbSNP rs730881446, ClinGen allele CA10590717.

ClinVar aggregate classification (germline): Uncertain significance (1 of 4 stars; one submission).

Conditions:
Hereditary breast ovarian cancer syndrome. Also called: Hereditary breast and/or ovarian cancer syndrome; BRCA1- and BRCA2-Associated Hereditary Breast and Ovarian Cancer; Hereditary breast and ovarian cancer syndrome; Hereditary breast and ovarian cancer; Hereditary breast and ovarian cancer syndrome (HBOC); Breast and ovarian cancer. Identifiers: Orphanet 145, MedGen C0677776, MeSH D061325, MONDO:0003582. Disease mechanism: loss of function.

Submissions (2):

Labcorp Genetics (formerly Invitae), Labcorp
Classification: Uncertain significance for Hereditary breast ovarian cancer syndrome. Last evaluated: 2022-08-16. Review status: criteria provided, single submitter. Criteria: Invitae Variant Classification Sherloc (09022015). Collection method: clinical testing. Allele origin: germline.
Comment: ClinVar contains an entry for this variant (Variation ID: 865396). In summary, the available evidence is currently insufficient to determine the role of this variant in disease. Therefore, it has been classified as a Variant of Uncertain Significance. Experimental studies have shown that this missense change does not substantially affect BRCA1 function (PMID: 30209399). Advanced modeling of experimental studies (such as gene expression, population dynamics, functional pathways, and cell-cycle effects in cell culture) performed at Invitae indicates that this missense variant is not expected to disrupt BRCA1 protein function. This variant has not been reported in the literature in individuals affected with BRCA1-related conditions. This variant is not present in population databases (gnomAD no frequency). This sequence change replaces lysine, which is basic and polar, with arginine, which is basic and polar, at codon 1793 of the BRCA1 protein (p.Lys1793Arg).

Brotman Baty Institute, University of Washington
No classification provided (evidence only). Condition: Breast-ovarian cancer, familial 1. Review status: no classification provided. Collection method: in vitro. Allele origin: not applicable. Functional consequence: functionally_normal. Not counted in ClinVar's aggregate classification.
ClinVar note: "not provided" was previously submitted as the classification for the variant. However, the classification appeared to be based only on an observation of functional data so it was converted to no classification on 2025-07-30.

Literature cited by the submitters: PubMed 30209399 (cited by Labcorp Genetics (formerly Invitae), Labcorp).